The following is an entry in ClinVar:

NM_002617.4(PEX10):c.437G>A (p.Arg146His)

Gene: PEX10 (peroxisomal biogenesis factor 10; minus strand). Cytogenetic location: 1p36.32.
Variant type: single nucleotide variant.
Coding change: c.437G>A on transcript NM_002617.4 (MANE Select); coding-DNA position 437, G replaced by A.
Protein change: p.Arg146His; replaces arginine 146 with histidine.
Molecular consequence: missense variant. On other transcripts: non-coding transcript variant (1).
Genome position (GRCh38, 1-based): chr1:2,408,615, C>T on the plus strand (G>A on the coding strand, the complement: PEX10 is on the minus strand). VCF-style: chr1-2408615-C-T. GRCh37 (hg19) VCF-style: chr1-2340054-C-T.
Other names: c.437G>A, p.Arg146His (NM_001374425.1, NM_153818.2); c.5G>A, p.Arg2His (NM_001374426.1, NM_001374427.1); short protein forms R2H, R146H.
Identifiers: ClinVar variation 1395630 (VCV001395630.3), dbSNP rs1471507257, ClinGen allele CA337987830.
Genomic context (GRCh38, chr1:2,408,615, plus strand): 5'-ACGAAGACCGCCCGCAGCAGCGCCCTCCTCTGCTGCTCAGTCAGGGTGGCCGTGTGGTGA[C>T]GCATCCAGCGCCGCGCCCCTGAGCAGCCACGCCCACCTGGCCCCAGGCTCCCCTGCAAGG-3'
Protein context (NP_002608.1, residues 136-156): RGCSGARRWM[Arg146His]HHTATLTEQQ

ClinVar aggregate classification (germline): Uncertain significance (1 of 4 stars; one submission).

Conditions:
Peroxisome biogenesis disorder, complementation group 7 (CG7). Also called: Peroxisome biogenesis disorder, complementation group B. Identifiers: MedGen C1864399.

Allele frequency attached by ClinVar (database versions not stated): gnomAD 0.00001; gnomAD exomes 0.00001 and 0.00004; TOPMed 0.00001.

Submission:

Labcorp Genetics (formerly Invitae), Labcorp
Classification: Uncertain significance for Peroxisome biogenesis disorder, complementation group 7. Last evaluated: 2022-08-12. Review status: criteria provided, single submitter. Criteria: Invitae Variant Classification Sherloc (09022015). Collection method: clinical testing. Allele origin: germline.
Comment: This sequence change replaces arginine, which is basic and polar, with histidine, which is basic and polar, at codon 146 of the PEX10 protein (p.Arg146His). This variant is present in population databases (no rsID available, gnomAD 0.006%). This variant has not been reported in the literature in individuals affected with PEX10-related conditions. ClinVar contains an entry for this variant (Variation ID: 1395630). Algorithms developed to predict the effect of missense changes on protein structure and function output the following: SIFT: "Tolerated"; PolyPhen-2: "Benign"; Align-GVGD: "Class C0". The histidine amino acid residue is found in multiple mammalian species, which suggests that this missense change does not adversely affect protein function. In summary, the available evidence is currently insufficient to determine the role of this variant in disease. Therefore, it has been classified as a Variant of Uncertain Significance.